The following is an entry in ClinVar:

NM_022575.4(VPS16):c.2272-18C>A

Genes: PTPRA (protein tyrosine phosphatase receptor type A; plus strand), VPS16 (VPS16 core subunit of CORVET and HOPS complexes; plus strand). Cytogenetic location: 20p13.
Variant type: single nucleotide variant.
Coding change: c.2272-18C>A on transcript NM_022575.4 (MANE Select); 18 bases into the intron before coding-DNA position 2272, C replaced by A.
Molecular consequence: intron variant.
Genome position (GRCh38, 1-based): chr20:2,866,194, C>A. VCF-style: chr20-2866194-C-A. GRCh37 (hg19) VCF-style: chr20-2846840-C-A.
Other names: c.1840-18C>A (NM_080413.3); c.-129+877C>A (NM_002836.4).
Identifiers: ClinVar variation 2430290 (VCV002430290.2), dbSNP rs770913562, ClinGen allele CA2580097973.

ClinVar aggregate classification (germline): Likely pathogenic (1 of 4 stars; one submission).

Submission:

Clinical Genetics Laboratory, Sahlgrenska University Hospital
Classification: Likely pathogenic. Last evaluated: 2023-02-22. Review status: criteria provided, single submitter. Criteria: ACMG Guidelines, 2015. Collection method: clinical testing. Allele origin: biparental. Inheritance: Autosomal recessive inheritance. Affected: yes. Observed: 2 variant alleles, 2 homozygotes. Clinical features observed: Progressive psychomotor regression, Delayed myelination, Mucopolysaccharidosis-like features, Neutropenia.
Comment: The variant is absent from large population databases and predicted to create a splice-acceptor site 16 bp upstream of exon 23 which competes with the normal splice site. This effect has been experimentally confirmed by analysis of cDNA obtained from blood leukocytes. Functional studies in patient-derived fibroblasts demonstrate that the effect on mRNA splicing leads to a ca. 85% reduction of wild type mRNA and VPS16 protein levels. Other HOPS/CORVET subunits, including VPS33A, are similarly reduced . In addition, patient-derived fibroblasts show signs of impaired endocytosis and autophagy as expected from the observed decreased levels of HOPS/CORVET complexes. All these anomalies are rescued upon lentiviral re-expression of VPS16 (Sofou 2021). Based on the above, the c.2272-18C>A variant meets the following ACMG criteria: PS3 and PM2 and consequently is classified as likely pathogenic.

Literature cited by the submitters: PubMed 33938619; PubMed 36153662; PubMed 36088199.